The following is an entry in ClinVar:

NM_000212.3(ITGB3):c.1021G>A (p.Val341Ile)

Gene: ITGB3 (integrin subunit beta 3; plus strand). Cytogenetic location: 17q21.32.
Variant type: single nucleotide variant.
Coding change: c.1021G>A on transcript NM_000212.3 (MANE Select); coding-DNA position 1021, G replaced by A.
Protein change: p.Val341Ile; replaces valine 341 with isoleucine.
Molecular consequence: missense variant.
Genome position (GRCh38, 1-based): chr17:47,289,762, G>A. VCF-style: chr17-47289762-G-A. GRCh37 (hg19) VCF-style: chr17-45367128-G-A.
Other names: short protein forms V341I.
Identifiers: ClinVar variation 2807860 (VCV002807860.3), dbSNP rs2547617818, ClinGen allele CA400025793.
Genomic context (GRCh38, chr17:47,289,762, plus strand): 5'-ATGACTGAGAAGCTATCCCAGAAAAACATCAATTTGATCTTTGCAGTGACTGAAAATGTA[G>A]TCAATCTCTATCAGGTGACTGTGCCTTCGGGCTTCCTGGAGTGGGCCCTGTGATGGTGGG-3'
Protein context (NP_000203.2, residues 331-351): NLIFAVTENV[Val341Ile]NLYQNYSELI

ClinVar aggregate classification (germline): Uncertain significance (1 of 4 stars; one submission).

Allele frequency attached by ClinVar (database versions not stated): gnomAD exomes below 0.00001.
gnomAD v4.1: 3 of 1,613,726 alleles (0.00019%); highest among the groups gnomAD compares: South Asian, 0.0011%; no homozygotes.

Submission:

Labcorp Genetics (formerly Invitae), Labcorp
Classification: Uncertain significance. Last evaluated: 2023-09-27. Review status: criteria provided, single submitter. Criteria: Invitae Variant Classification Sherloc (09022015). Collection method: clinical testing. Allele origin: germline.
Comment: In summary, the available evidence is currently insufficient to determine the role of this variant in disease. Therefore, it has been classified as a Variant of Uncertain Significance. Algorithms developed to predict the effect of sequence changes on RNA splicing suggest that this variant may create or strengthen a splice site. Advanced modeling of protein sequence and biophysical properties (such as structural, functional, and spatial information, amino acid conservation, physicochemical variation, residue mobility, and thermodynamic stability) performed at Invitae indicates that this missense variant is not expected to disrupt ITGB3 protein function. This variant has not been reported in the literature in individuals affected with ITGB3-related conditions. This variant is not present in population databases (gnomAD no frequency). This sequence change replaces valine, which is neutral and non-polar, with isoleucine, which is neutral and non-polar, at codon 341 of the ITGB3 protein (p.Val341Ile).